The following is an entry in ClinVar:

NM_002474.3(MYH11):c.4235C>T (p.Ala1412Val)

Genes: NDE1 (nudE neurodevelopment protein 1; plus strand), MYH11 (myosin heavy chain 11; minus strand). Cytogenetic location: 16p13.11.
Variant type: single nucleotide variant.
Coding change: c.4235C>T on transcript NM_002474.3 (MANE Select); coding-DNA position 4235, C replaced by T.
Protein change: p.Ala1412Val; replaces alanine 1412 with valine.
Molecular consequence: missense variant. On other transcripts: 3 prime UTR variant (2).
Genome position (GRCh38, 1-based): chr16:15,724,291, G>A on the plus strand (C>T on the coding strand, the complement: MYH11 is on the minus strand). VCF-style: chr16-15724291-G-A. GRCh37 (hg19) VCF-style: chr16-15818148-G-A.
Other names: c.4256C>T, p.Ala1419Val (NM_001040113.2, NM_001040114.2); c.4235C>T, p.Ala1412Val (NM_022844.3); c.*40G>A (NM_001143979.2, NM_017668.3); c.4235C>T (NM_002474.2); short protein forms A1419V, A1412V.
Identifiers: ClinVar variation 661856 (VCV000661856.14), dbSNP rs200391659, ClinGen allele CA7921730.

ClinVar aggregate classification (germline): Uncertain significance. Review status: criteria provided, multiple submitters, no conflicts (2 of 4 stars). 4 submissions from 4 submitters: Uncertain significance (4). Last evaluated 2025-08-20.

Conditions:
Aortic aneurysm, familial thoracic 4 (AAT4). Also called: AORTIC ANEURYSM/AORTIC DISSECTION AND PATENT DUCTUS ARTERIOSUS. Identifiers: MedGen C1851504, MONDO:0007568, OMIM 132900.
Familial thoracic aortic aneurysm and aortic dissection (TAAD). Also called: Thoracic aortic aneurysms and dissections. Identifiers: Orphanet 91387, MedGen C4707243, MONDO:0019625.

Allele frequency attached by ClinVar (database versions not stated): ExAC 0.00002; TOPMed 0.00008; gnomAD exomes 0.00002; gnomAD 0.00005 and 0.00006.
gnomAD v4.1: 35 of 1,614,012 alleles (0.0022%); highest among the groups gnomAD compares: African/African-American, 0.012%; no homozygotes.

Submissions (4):

Ambry Genetics
Classification: Uncertain significance for Familial thoracic aortic aneurysm and aortic dissection. Last evaluated: 2025-08-20. Review status: criteria provided, single submitter. Criteria: Ambry Variant Classification Scheme 2023. Collection method: clinical testing. Allele origin: germline.
Comment: The p.A1412V variant (also known as c.4235C>T), located in coding exon 30 of the MYH11 gene, results from a C to T substitution at nucleotide position 4235. The alanine at codon 1412 is replaced by valine, an amino acid with similar properties. This variant was reported in individual(s) with features consistent with MYH11-related thoracic aortic aneurysm and dissection (Wooderchak-Donahue W et al. Am J Med Genet A, 2015 Aug;167A:1747-57). This amino acid position is well conserved in available vertebrate species. In addition, the in silico prediction for this alteration is inconclusive. Based on the available evidence, the clinical significance of this variant remains unclear.

Color Diagnostics, LLC DBA Color Health
Classification: Uncertain significance for Familial thoracic aortic aneurysm and aortic dissection. Last evaluated: 2025-07-11. Review status: criteria provided, single submitter. Criteria: ACMG Guidelines, 2015. Collection method: clinical testing. Allele origin: germline.
Comment: This missense variant replaces alanine with valine at codon 1419 of the MYH11 protein. Computational prediction suggests that this variant may not impact protein structure and function. To our knowledge, functional studies have not been reported for this variant. This variant has been reported in an individual affected with Marfan syndrome (PMID: 25944730). This variant has been identified in 6/282856 chromosomes in the general population by the Genome Aggregation Database (gnomAD). The available evidence is insufficient to determine the role of this variant in disease conclusively. Therefore, this variant is classified as a Variant of Uncertain Significance.

Labcorp Genetics (formerly Invitae), Labcorp
Classification: Uncertain significance for Aortic aneurysm, familial thoracic 4. Last evaluated: 2024-12-19. Review status: criteria provided, single submitter. Criteria: Invitae Variant Classification Sherloc (09022015). Collection method: clinical testing. Allele origin: germline.
Comment: This sequence change replaces alanine, which is neutral and non-polar, with valine, which is neutral and non-polar, at codon 1419 of the MYH11 protein (p.Ala1419Val). This variant is present in population databases (rs200391659, gnomAD 0.02%). This missense change has been observed in individual(s) with Marfan-like features (PMID: 25944730). ClinVar contains an entry for this variant (Variation ID: 661856). Invitae Evidence Modeling of protein sequence and biophysical properties (such as structural, functional, and spatial information, amino acid conservation, physicochemical variation, residue mobility, and thermodynamic stability) indicates that this missense variant is not expected to disrupt MYH11 protein function with a negative predictive value of 95%. In summary, the available evidence is currently insufficient to determine the role of this variant in disease. Therefore, it has been classified as a Variant of Uncertain Significance.

Clinical Genetics Laboratory, Skane University Hospital Lund
Classification: Uncertain significance. Last evaluated: 2022-05-27. Review status: criteria provided, single submitter. Criteria: ACMG Guidelines, 2015. Collection method: clinical testing. Allele origin: germline. Affected: yes.

Literature cited by the submitters: PubMed 25944730 (cited by 3 submitters).